The following is an entry in ClinVar:

ClinVar aggregate classification (germline): Uncertain significance. Review status: criteria provided, multiple submitters, no conflicts (2 of 4 stars). 3 submissions from 3 submitters: Uncertain significance (3). Last evaluated 2025-12-06.

Allele frequency attached by ClinVar (database versions not stated): gnomAD exomes 0.00001 and 0.00004; TOPMed 0.00002.
gnomAD v4.1: 40 of 1,208,671 alleles (0.0033%); highest among the groups gnomAD compares: Middle Eastern, 0.023%; no homozygotes.

Submissions (3):

Labcorp Genetics (formerly Invitae), Labcorp
Classification: Uncertain significance. Last evaluated: 2025-12-06. Review status: criteria provided, single submitter. Criteria: Invitae Variant Classification Sherloc (09022015). Collection method: clinical testing. Allele origin: germline.
Comment: This sequence change replaces arginine, which is basic and polar, with tryptophan, which is neutral and slightly polar, at codon 340 of the DRP2 protein (p.Arg340Trp). This variant is not present in population databases (gnomAD no frequency). This variant has not been reported in the literature in individuals affected with DRP2-related conditions. ClinVar contains an entry for this variant (Variation ID: 1444477). Invitae Evidence Modeling of protein sequence and biophysical properties (such as structural, functional, and spatial information, amino acid conservation, physicochemical variation, residue mobility, and thermodynamic stability) indicates that this missense variant is not expected to disrupt DRP2 protein function with a negative predictive value of 80%. Algorithms developed to predict the effect of sequence changes on RNA splicing suggest that this variant may disrupt the consensus splice site. In summary, the available evidence is currently insufficient to determine the role of this variant in disease. Therefore, it has been classified as a Variant of Uncertain Significance.

Ambry Genetics
Classification: Uncertain significance. Last evaluated: 2025-05-28. Review status: criteria provided, single submitter. Criteria: Ambry Variant Classification Scheme 2023. Collection method: clinical testing. Allele origin: germline.

Clinical Genetics Laboratory, Skane University Hospital Lund
Classification: Uncertain significance. Last evaluated: 2022-05-27. Review status: criteria provided, single submitter. Criteria: ACMG Guidelines, 2015. Collection method: clinical testing. Allele origin: germline. Affected: yes.

NM_001939.3(DRP2):c.1018C>T (p.Arg340Trp)

Gene: DRP2 (dystrophin related protein 2; plus strand). Cytogenetic location: Xq22.1.
Variant type: single nucleotide variant.
Coding change: c.1018C>T on transcript NM_001939.3 (MANE Select); coding-DNA position 1018, C replaced by T.
Protein change: p.Arg340Trp; replaces arginine 340 with tryptophan.
Molecular consequence: missense variant.
Genome position (GRCh38, 1-based): chrX:101,242,946, C>T. VCF-style: chrX-101242946-C-T. GRCh37 (hg19) VCF-style: chrX-100497935-C-T.
Other names: c.784C>T, p.Arg262Trp (NM_001171184.2); c.1018C>T (NM_001939.2); short protein forms R340W, R262W.
Identifiers: ClinVar variation 1444477 (VCV001444477.8), dbSNP rs1322622414, ClinGen allele CA413920214.
Genomic context (GRCh38, chrX:101,242,946, plus strand): 5'-ACCCTGTTCTTTCCATAGGCGTCAGTTAGTGAGAGGCTTAAGCAGCTCCAGGATGCCCAC[C>T]GGGACTTTGGGCCTGGGTCACAGCACTTTCTCTCCTGTACGTGAACCAAACTGGACTCCA-3'
Protein context (NP_001930.2, residues 330-350): ERLKQLQDAH[Arg340Trp]DFGPGSQHFL